The following is an entry in ClinVar:

ClinVar aggregate classification (germline): Uncertain significance (1 of 4 stars; one submission).

Allele frequency attached by ClinVar (database versions not stated): gnomAD 0.00001; TOPMed 0.00001.

Submission:

CeGaT Center for Human Genetics Tuebingen
Classification: Uncertain significance. Last evaluated: 2022-11-01. Review status: criteria provided, single submitter. Criteria: CeGaT Center For Human Genetics Tuebingen Variant Classification Criteria Version 2. Collection method: clinical testing. Allele origin: germline. Affected: yes. Observed: 1 variant allele.
Comment: GNAS: PM2

NM_080425.4(GNAS):c.2069-4915C>T

Genes: GNAS (GNAS complex locus; plus strand), LOC130066266 (ATAC-STARR-seq lymphoblastoid silent region 13081; plus strand). Cytogenetic location: 20q13.32.
Variant type: single nucleotide variant.
Coding change: c.2069-4915C>T on transcript NM_080425.4 (MANE Plus Clinical); 4915 bases into the intron before coding-DNA position 2069, C replaced by T.
Molecular consequence: intron variant.
Genome position (GRCh38, 1-based): chr20:58,890,697, C>T. VCF-style: chr20-58890697-C-T. GRCh37 (hg19) VCF-style: chr20-57465752-C-T.
Other names: c.*43-4915C>T (NM_016592.5); c.44-4915C>T (NM_001410912.1); c.-38-4915C>T (NM_001309861.2); c.*1-4915C>T (NM_001077490.3); c.2069-4915C>T (NM_001410913.1); c.*159-4915C>T (NM_001309883.1); c.-39+1344C>T (NM_001438273.1, NM_001309840.2); c.-39+1365C>T (NM_001439291.1, NM_001438274.1).
Identifiers: ClinVar variation 2652447 (VCV002652447.22), dbSNP rs1273039682, ClinGen allele CA746042742.